The following is an entry in ClinVar:

ClinVar aggregate classification (germline): Pathogenic (1 of 4 stars; one submission).

Conditions:
Baller-Gerold syndrome (BGS). Also called: CRANIOSYNOSTOSIS WITH RADIAL DEFECTS. Identifiers: Orphanet 1225, MedGen C0265308, MONDO:0009039, OMIM 218600.

Submission:

Labcorp Genetics (formerly Invitae), Labcorp
Classification: Pathogenic for Baller-Gerold syndrome. Last evaluated: 2023-08-25. Review status: criteria provided, single submitter. Criteria: Invitae Variant Classification Sherloc (09022015). Collection method: clinical testing. Allele origin: germline.
Comment: For these reasons, this variant has been classified as Pathogenic. ClinVar contains an entry for this variant (Variation ID: 1070089). This variant has not been reported in the literature in individuals affected with RECQL4-related conditions. This variant is not present in population databases (gnomAD no frequency). This sequence change creates a premature translational stop signal (p.Tyr42*) in the RECQL4 gene. It is expected to result in an absent or disrupted protein product. Loss-of-function variants in RECQL4 are known to be pathogenic (PMID: 12734318, 12952869).

Literature cited by the submitters: PubMed 12734318; PubMed 12952869.

NM_004260.4(RECQL4):c.126C>G (p.Tyr42Ter)

Genes: RECQL4 (RecQ like helicase 4; minus strand), LOC130001411 (ATAC-STARR-seq lymphoblastoid silent region 19699; plus strand). Cytogenetic location: 8q24.3.
Variant type: single nucleotide variant.
Coding change: c.126C>G on transcript NM_004260.4 (MANE Select); coding-DNA position 126, C replaced by G.
Protein change: p.Tyr42Ter; replaces tyrosine 42 with a stop codon.
Molecular consequence: nonsense.
Genome position (GRCh38, 1-based): chr8:144,517,501, G>C on the plus strand (C>G on the coding strand, the complement: RECQL4 is on the minus strand). VCF-style: chr8-144517501-G-C. GRCh37 (hg19) VCF-style: chr8-145742885-G-C.
Other names: short protein forms Y42*.
Identifiers: ClinVar variation 1070089 (VCV001070089.5), dbSNP rs1427556033, ClinGen allele CA372692785.